The following is an entry in ClinVar:

ClinVar aggregate classification (germline): Uncertain significance. Review status: criteria provided, multiple submitters, no conflicts (2 of 4 stars). 2 submissions from 2 submitters: Uncertain significance (2). Last evaluated 2024-11-03.

Conditions:
Hypertrophic cardiomyopathy 14. Identifiers: MedGen C2750467, MONDO:0013197, OMIM 613251.

Allele frequency attached by ClinVar (database versions not stated): gnomAD exomes below 0.00001.
gnomAD v4.1: 1 of 1,614,096 alleles (0.000062%); highest among the groups gnomAD compares: Non-Finnish European, 0.000085%; no homozygotes.

Submissions (2):

Labcorp Genetics (formerly Invitae), Labcorp
Classification: Uncertain significance for Hypertrophic cardiomyopathy 14. Last evaluated: 2024-11-03. Review status: criteria provided, single submitter. Criteria: Invitae Variant Classification Sherloc (09022015). Collection method: clinical testing. Allele origin: germline.
Comment: This sequence change replaces methionine, which is neutral and non-polar, with isoleucine, which is neutral and non-polar, at codon 529 of the MYH6 protein (p.Met529Ile). This variant is not present in population databases (gnomAD no frequency). This variant has not been reported in the literature in individuals affected with MYH6-related conditions. ClinVar contains an entry for this variant (Variation ID: 2446603). Invitae Evidence Modeling of protein sequence and biophysical properties (such as structural, functional, and spatial information, amino acid conservation, physicochemical variation, residue mobility, and thermodynamic stability) indicates that this missense variant is not expected to disrupt MYH6 protein function with a negative predictive value of 80%. In summary, the available evidence is currently insufficient to determine the role of this variant in disease. Therefore, it has been classified as a Variant of Uncertain Significance.

GeneDx
Classification: Uncertain significance. Last evaluated: 2023-03-30. Review status: criteria provided, single submitter. Criteria: GeneDx Variant Classification Process June 2021. Collection method: clinical testing. Allele origin: germline. Affected: yes.
Comment: Has not been previously published as pathogenic or benign to our knowledge; Not observed in large population cohorts (gnomAD); In silico analysis supports that this missense variant has a deleterious effect on protein structure/function; In silico analysis suggests this variant may impact gene splicing. In the absence of RNA/functional studies, the actual effect of this sequence change is unknown.

NM_002471.4(MYH6):c.1587G>A (p.Met529Ile)

Gene: MYH6 (myosin heavy chain 6; minus strand). Cytogenetic location: 14q11.2.
Variant type: single nucleotide variant.
Coding change: c.1587G>A on transcript NM_002471.4 (MANE Select); coding-DNA position 1587, G replaced by A.
Protein change: p.Met529Ile; replaces methionine 529 with isoleucine.
Molecular consequence: missense variant.
Genome position (GRCh38, 1-based): chr14:23,399,032, C>T on the plus strand (G>A on the coding strand, the complement: MYH6 is on the minus strand). VCF-style: chr14-23399032-C-T. GRCh37 (hg19) VCF-style: chr14-23868241-C-T.
Other names: short protein forms M529I.
Identifiers: ClinVar variation 2446603 (VCV002446603.3), dbSNP rs2502188013, ClinGen allele CA389021170.